The following is an entry in ClinVar:

NM_000222.3(KIT):c.1729_1732del (p.Pro577fs)

Gene: KIT (KIT proto-oncogene, receptor tyrosine kinase; plus strand). Cytogenetic location: 4q12.
Variant type: Deletion.
Coding change: c.1729_1732del on transcript NM_000222.3 (MANE Select); coding-DNA positions 1729 to 1732, 4 bases deleted (CCTT; older notation c.1729_1732delCCTT).
Protein change: p.Pro577fs; shifts the reading frame from proline 577.
Molecular consequence: frameshift variant.
Genome position (GRCh38, 1-based): chr4:54,727,497-54,727,500, CCTT deleted; deleting any 4 consecutive bases within chr4:54,727,494-54,727,500 gives the same sequence; the c. name uses the placement nearest the transcript's 3' end. VCF-style (leftmost placement, unchanged base first): chr4-54727493-ACTTC-A. GRCh37 (hg19) VCF-style: chr4-55593659-ACTTC-A.
Other names: c.1717_1720del, p.Pro573fs (NM_001093772.2, NM_001385286.1); c.1732_1735del, p.Pro578fs (NM_001385284.1, NM_001385290.1); c.1729_1732del, p.Pro577fs (NM_001385285.1); c.1720_1723del, p.Pro574fs (NM_001385288.1, NM_001385292.1); short protein forms P577fs, P573fs, P574fs, P578fs.
Identifiers: ClinVar variation 4723112 (VCV004723112.1).

ClinVar aggregate classification (germline): Pathogenic (1 of 4 stars; one submission).

Conditions:
Gastrointestinal stromal tumor. Also called: Gastrointestinal stromal tumor, somatic; Gastrointestinal stroma tumor. Identifiers: Orphanet 44890, MedGen C0238198, MeSH D046152, MONDO:0011719, OMIM 606764, HP:0100723.

Submission:

Labcorp Genetics (formerly Invitae), Labcorp
Classification: Pathogenic for Gastrointestinal stromal tumor. Last evaluated: 2025-07-28. Review status: criteria provided, single submitter. Criteria: Invitae Variant Classification Sherloc (09022015). Collection method: clinical testing. Allele origin: germline.
Comment: This sequence change creates a premature translational stop signal (p.Pro577Metfs*12) in the KIT gene. It is expected to result in an absent or disrupted protein product. Loss-of-function variants in KIT are known to be pathogenic (PMID: 15194144). This variant is not present in population databases (gnomAD no frequency). This variant has not been reported in the literature in individuals affected with KIT-related conditions. For these reasons, this variant has been classified as Pathogenic.

Literature cited by the submitters: PubMed 15194144.